The following is an entry in ClinVar:

ClinVar aggregate classification (germline): Likely pathogenic. Review status: criteria provided, single submitter (1 of 4 stars). 2 submissions from 2 submitters: Likely pathogenic (1). 1 of the submissions does not count toward it. Last evaluated 2019-01-29.

Conditions:
Intellectual developmental disorder, autosomal recessive 81 (MRT81). Identifiers: MedGen C5882758, MONDO:0958204, OMIM 620700.

Allele frequency attached by ClinVar (database versions not stated): gnomAD exomes below 0.00001.
gnomAD v4.1: 1 of 1,583,752 alleles (0.000063%); highest among the groups gnomAD compares: Non-Finnish European, 0.000086%; no homozygotes.

Submissions (3):

Centre for Mendelian Genomics, University Medical Centre Ljubljana
Classification: Likely pathogenic. Last evaluated: 2019-01-29. Review status: criteria provided, single submitter. Criteria: ACMG Guidelines, 2015. Collection method: clinical testing. Allele origin: unknown. Affected: yes.
Comment: This variant was classified as: Likely pathogenic. The following ACMG criteria were applied in classifying this variant: PVS1,PM2.

OMIM
Classification: Pathogenic for INTELLECTUAL DEVELOPMENTAL DISORDER, AUTOSOMAL RECESSIVE 81. Last evaluated: 2024-02-02. Review status: no assertion criteria provided. Collection method: literature only. Allele origin: germline. Not counted in ClinVar's aggregate classification.

Dr. Peter K. Rogan Lab, Western University
No classification provided (evidence only). Condition: Gastric cancer. Review status: no classification provided. Collection method: in vitro. Allele origin: not applicable. Functional consequence: retained intron. Not counted in ClinVar's aggregate classification.

Literature cited by the submitters: PubMed 35047834 (cited by OMIM).

NM_006828.4(ASCC3):c.801+1G>T

Gene: ASCC3 (activating signal cointegrator 1 complex subunit 3; minus strand). Cytogenetic location: 6q16.3.
Variant type: single nucleotide variant.
Coding change: c.801+1G>T on transcript NM_006828.4 (MANE Select); the canonical splice donor site of the intron after coding-DNA position 801, G replaced by T.
Molecular consequence: splice donor variant.
Genome position (GRCh38, 1-based): chr6:100,848,147, C>A on the plus strand (G>T on the coding strand, the complement: ASCC3 is on the minus strand). VCF-style: chr6-100848147-C-A. GRCh37 (hg19) VCF-style: chr6-101296023-C-A.
Other names: NC_000006.11:g.101296023C>A; c.801+1G>T (NM_001284271.2).
Identifiers: ClinVar variation 931384 (VCV000931384.6), dbSNP rs1432792609, ClinGen allele CA365301513.
Genomic context (GRCh38, chr6:100,848,147, plus strand): 5'-AAACACTATTTCATTAGGATAGTTCACATTAATATAAAAAAATAAATCATTTCAACTATA[C>A]CTCATCCTGAAGTTCATCACCACTTTTAATAGAAGCAAGCATATCATATAAAGTACAGCA-3'